The following is an entry in ClinVar:

NM_024301.5(FKRP):c.1366G>A (p.Gly456Ser)

Gene: FKRP (fukutin related protein; plus strand). Cytogenetic location: 19q13.32.
Variant type: single nucleotide variant.
Coding change: c.1366G>A on transcript NM_024301.5 (MANE Select); coding-DNA position 1366, G replaced by A.
Protein change: p.Gly456Ser; replaces glycine 456 with serine.
Molecular consequence: missense variant.
Genome position (GRCh38, 1-based): chr19:46,756,816, G>A. VCF-style: chr19-46756816-G-A. GRCh37 (hg19) VCF-style: chr19-47260073-G-A.
Other names: c.1366G>A, p.Gly456Ser (NM_001039885.3); short protein forms G456S.
Identifiers: ClinVar variation 931281 (VCV000931281.3), dbSNP rs2054938604, ClinGen allele CA406497218.

ClinVar aggregate classification (germline): Uncertain significance (1 of 4 stars; one submission).

Conditions:
Muscular dystrophy-dystroglycanopathy type B5 (MDDGB5). Also called: MUSCULAR DYSTROPHY, CONGENITAL, 1C; MUSCULAR DYSTROPHY, CONGENITAL, FKRP-RELATED; MUSCULAR DYSTROPHY-DYSTROGLYCANOPATHY (CONGENITAL WITH OR WITHOUT IMPAIRED INTELLECTUAL DEVELOPMENT), TYPE B, 5. Identifiers: MedGen C1847759, MONDO:0011688, OMIM 606612.

Submission:

Centre for Mendelian Genomics, University Medical Centre Ljubljana
Classification: Uncertain significance for Muscular dystrophy-dystroglycanopathy type B5. Last evaluated: 2020-03-09. Review status: criteria provided, single submitter. Criteria: ACMG Guidelines, 2015. Collection method: clinical testing. Allele origin: unknown. Affected: yes.
Comment: This variant was classified as: Uncertain significance. The available evidence favors the pathogenic nature of this variant, however the currently available data is insufficient to conclusively support its pathogenic nature. Thus this variant is classified as Uncertain significance - favor pathogenic. The following ACMG criteria were applied in classifying this variant: PM2,PP3.